The following is an entry in ClinVar:

NM_000071.3(CBS):c.*6G>A

Gene: CBS (cystathionine beta-synthase; minus strand). Cytogenetic location: 21q22.3.
Variant type: single nucleotide variant.
Coding change: c.*6G>A on transcript NM_000071.3 (MANE Select); 6 bases downstream of the stop codon, G replaced by A.
Molecular consequence: 3 prime UTR variant.
Genome position (GRCh38, 1-based): chr21:43,053,874, C>T on the plus strand (G>A on the coding strand, the complement: CBS is on the minus strand). VCF-style: chr21-43053874-C-T. GRCh37 (hg19) VCF-style: chr21-44473984-C-T.
Other names: c.*6G>A (NM_001178008.3, NM_001178009.3, NM_001320298.2 and 1 more transcripts).
Identifiers: ClinVar variation 3042340 (VCV003042340.4), dbSNP rs762624262, ClinGen allele CA321684603.

ClinVar aggregate classification (germline): Conflicting classifications of pathogenicity. Review status: criteria provided, conflicting classifications (1 of 4 stars). 3 submissions from 3 submitters: Uncertain significance (1); Likely benign (1). 1 of the submissions does not count toward it. Last evaluated 2025-05-22.

Conditions:
CBS-related disorder. Also called: CBS-related condition.

Allele frequency attached by ClinVar (database versions not stated): ExAC 0.00004.

Submissions (3):

Women's Health and Genetics/Laboratory Corporation of America, LabCorp
Classification: Uncertain significance. Last evaluated: 2025-05-22. Review status: criteria provided, single submitter. Criteria: LabCorp Variant Classification Summary - May 2015. Collection method: clinical testing. Allele origin: germline.

Blueprint Genetics
Classification: Likely benign. Last evaluated: 2021-05-12. Review status: criteria provided, single submitter. Criteria: ACMG Guidelines, 2015. Collection method: clinical testing. Allele origin: germline.

PreventionGenetics, part of Exact Sciences
Classification: Likely benign for CBS-related condition. Last evaluated: 2019-05-13. Review status: no assertion criteria provided. Collection method: clinical testing. Allele origin: germline. Not counted in ClinVar's aggregate classification.
Comment: This variant is classified as likely benign based on ACMG/AMP sequence variant interpretation guidelines (Richards et al. 2015 PMID: 25741868, with internal and published modifications).